The following is an entry in ClinVar:

NM_003620.4(PPM1D):c.1455del (p.Ile486fs)

Gene: PPM1D (protein phosphatase, Mg2+/Mn2+ dependent 1D; plus strand). Cytogenetic location: 17q23.2.
Variant type: Deletion.
Coding change: c.1455del on transcript NM_003620.4 (MANE Select); coding-DNA position 1455, one base deleted (G; older notation c.1455delG).
Protein change: p.Ile486fs; shifts the reading frame from isoleucine 486.
Molecular consequence: frameshift variant.
Genome position (GRCh38, 1-based): chr17:60,663,189, G deleted; the last of 2 consecutive G bases (chr17:60,663,188-60,663,189); deleting either gives the same sequence. VCF-style (leftmost placement, unchanged base first): chr17-60663187-AG-A. GRCh37 (hg19) VCF-style: chr17-58740548-AG-A.
Other names: short protein forms I486fs.
Identifiers: ClinVar variation 4688060 (VCV004688060.1).

ClinVar aggregate classification (germline): Pathogenic (1 of 4 stars; one submission).

Conditions:
Intellectual developmental disorder with gastrointestinal difficulties and high pain threshold (JDVS). Also called: JANSEN-DE VRIES SYNDROME. Identifiers: Orphanet 653767, MedGen C4479517, MONDO:0044318, OMIM 617450.

Submission:

Institute of Human Genetics, FAU Erlangen, Friedrich-Alexander-Universität Erlangen-Nürnberg
Classification: Pathogenic for Intellectual developmental disorder with gastrointestinal difficulties and high pain threshold. Last evaluated: 2026-02-02. Review status: criteria provided, single submitter. Criteria: Hauer et al. (Genet Med. 2018). Collection method: clinical testing. Allele origin: germline. Inheritance: Autosomal dominant inheritance. Affected: yes. Observed: 1 variant allele.
Comment: This variant has been identified by standard clinical testing.